The following is an entry in ClinVar:

ClinVar aggregate classification (germline): Uncertain significance (1 of 4 stars; one submission).

Submission:

Labcorp Genetics (formerly Invitae), Labcorp
Classification: Uncertain significance. Last evaluated: 2024-07-23. Review status: criteria provided, single submitter. Criteria: Invitae Variant Classification Sherloc (09022015). Collection method: clinical testing. Allele origin: germline.
Comment: This sequence change replaces serine, which is neutral and polar, with proline, which is neutral and non-polar, at codon 1012 of the COL4A1 protein (p.Ser1012Pro). This variant is not present in population databases (gnomAD no frequency). This variant has not been reported in the literature in individuals affected with COL4A1-related conditions. An algorithm developed to predict the effect of missense changes on protein structure and function (PolyPhen-2) suggests that this variant is likely to be disruptive. In summary, the available evidence is currently insufficient to determine the role of this variant in disease. Therefore, it has been classified as a Variant of Uncertain Significance.

NM_001845.6(COL4A1):c.3034T>C (p.Ser1012Pro)

Gene: COL4A1 (collagen type IV alpha 1 chain; minus strand). Cytogenetic location: 13q34.
Variant type: single nucleotide variant.
Coding change: c.3034T>C on transcript NM_001845.6 (MANE Select); coding-DNA position 3034, T replaced by C.
Protein change: p.Ser1012Pro; replaces serine 1012 with proline.
Molecular consequence: missense variant.
Genome position (GRCh38, 1-based): chr13:110,176,448, A>G on the plus strand (T>C on the coding strand, the complement: COL4A1 is on the minus strand). VCF-style: chr13-110176448-A-G. GRCh37 (hg19) VCF-style: chr13-110828795-A-G.
Other names: short protein forms S1012P.
Identifiers: ClinVar variation 3676018 (VCV003676018.2).